The following is an entry in ClinVar:

ClinVar aggregate classification (germline): Uncertain significance (1 of 4 stars; one submission).

Conditions:
Hypertrophic cardiomyopathy. Also called: HYPERTROPHIC MYOCARDIOPATHY. Identifiers: Orphanet 217569, MedGen C0007194, MeSH D002312, MONDO:0005045, HP:0001639.

Submission:

Labcorp Genetics (formerly Invitae), Labcorp
Classification: Uncertain significance for Hypertrophic cardiomyopathy. Last evaluated: 2023-12-05. Review status: criteria provided, single submitter. Criteria: Invitae Variant Classification Sherloc (09022015). Collection method: clinical testing. Allele origin: germline.
Comment: This sequence change replaces glutamic acid, which is acidic and polar, with glycine, which is neutral and non-polar, at codon 806 of the MYH7 protein (p.Glu806Gly). This variant is not present in population databases (gnomAD no frequency). This variant has not been reported in the literature in individuals affected with MYH7-related conditions. ClinVar contains an entry for this variant (Variation ID: 849705). Advanced modeling of protein sequence and biophysical properties (such as structural, functional, and spatial information, amino acid conservation, physicochemical variation, residue mobility, and thermodynamic stability) performed at Invitae indicates that this missense variant is expected to disrupt MYH7 protein function with a positive predictive value of 95%. In summary, the available evidence is currently insufficient to determine the role of this variant in disease. Therefore, it has been classified as a Variant of Uncertain Significance.

NM_000257.4(MYH7):c.2417A>G (p.Glu806Gly)

Genes: MYH7 (myosin heavy chain 7; minus strand), LOC126861898 (BRD4-independent group 4 enhancer GRCh37_chr14:23893609-23894808; plus strand). Cytogenetic location: 14q11.2.
Variant type: single nucleotide variant.
Coding change: c.2417A>G on transcript NM_000257.4 (MANE Select); coding-DNA position 2417, A replaced by G.
Protein change: p.Glu806Gly; replaces glutamic acid 806 with glycine.
Molecular consequence: missense variant.
Genome position (GRCh38, 1-based): chr14:23,425,288, T>C on the plus strand (A>G on the coding strand, the complement: MYH7 is on the minus strand). VCF-style: chr14-23425288-T-C. GRCh37 (hg19) VCF-style: chr14-23894497-T-C.
Other names: short protein forms E806G.
Identifiers: ClinVar variation 849705 (VCV000849705.10), dbSNP rs1408157651, ClinGen allele CA389048460.
Genomic context (GRCh38, chr14:23,425,288, plus strand): 5'-CTGAACCAGCCTGGGCCTCAGAGAAGCGGGAAACCTCCTCTTGAGATCTCTCACCTACGT[T>C]CCAGCAGCTTTTTGTACTCCATTCTGGCGAGCACACCTCGGGACTGGGCCTGGATACGCG-3'
Protein context (NP_000248.2, residues 796-816): LARMEYKKLL[Glu806Gly]RRDSLLVIQW